The following is an entry in ClinVar:

ClinVar aggregate classification (germline): Uncertain significance (1 of 4 stars; one submission).

Conditions:
Dextro-looped transposition of the great arteries. Also called: Dextrotransposition of the great arteries. Identifiers: Orphanet 860, MedGen C3531771, MONDO:0019443, OMIM 608808, HP:0031348.

Submission:

Labcorp Genetics (formerly Invitae), Labcorp
Classification: Uncertain significance for Dextro-looped transposition of the great arteries. Last evaluated: 2023-02-18. Review status: criteria provided, single submitter. Criteria: Invitae Variant Classification Sherloc (09022015). Collection method: clinical testing. Allele origin: germline.
Comment: In summary, the available evidence is currently insufficient to determine the role of this variant in disease. Therefore, it has been classified as a Variant of Uncertain Significance. Advanced modeling of protein sequence and biophysical properties (such as structural, functional, and spatial information, amino acid conservation, physicochemical variation, residue mobility, and thermodynamic stability) performed at Invitae indicates that this missense variant is not expected to disrupt MED13L protein function. This sequence change replaces aspartic acid, which is acidic and polar, with glycine, which is neutral and non-polar, at codon 546 of the MED13L protein (p.Asp546Gly). This variant is not present in population databases (gnomAD no frequency). This variant has not been reported in the literature in individuals affected with MED13L-related conditions.

NM_015335.5(MED13L):c.1637A>G (p.Asp546Gly)

Gene: MED13L (mediator complex subunit 13L; minus strand). Cytogenetic location: 12q24.21.
Variant type: single nucleotide variant.
Coding change: c.1637A>G on transcript NM_015335.5 (MANE Select); coding-DNA position 1637, A replaced by G.
Protein change: p.Asp546Gly; replaces aspartic acid 546 with glycine.
Molecular consequence: missense variant.
Genome position (GRCh38, 1-based): chr12:116,008,776, T>C on the plus strand (A>G on the coding strand, the complement: MED13L is on the minus strand). VCF-style: chr12-116008776-T-C. GRCh37 (hg19) VCF-style: chr12-116446581-T-C.
Other names: short protein forms D546G.
Identifiers: ClinVar variation 2838847 (VCV002838847.3), dbSNP rs2499912668, ClinGen allele CA386895879.
Genomic context (GRCh38, chr12:116,008,776, plus strand): 5'-TGACCTCGTGGCTGAGGGCTGAGTGTTGGTGGCAGAGGGGATATAGGGGAATGAGGTGAA[T>C]CCATAGGATTCAGATTCATTTGCTTGCTTGTATTTCTGGAAGGCACGGCCATTTGCTTAT-3'
Protein context (NP_056150.1, residues 536-556): TSKQMNLNPM[Asp546Gly]SPHSPISPLP